The following is an entry in ClinVar:

ClinVar aggregate classification (germline): Uncertain significance (1 of 4 stars; one submission).

Conditions:
Wilms tumor 1 (WT1). Also called: Wilms tumor, somatic. Identifiers: Orphanet 654, MedGen CN033288, MONDO:0008679, OMIM 194070.

Allele frequency attached by ClinVar (database versions not stated): ExAC 0.00001.

Submission:

Labcorp Genetics (formerly Invitae), Labcorp
Classification: Uncertain significance for Wilms tumor 1. Last evaluated: 2024-05-31. Review status: criteria provided, single submitter. Criteria: Invitae Variant Classification Sherloc (09022015). Collection method: clinical testing. Allele origin: germline.
Comment: This sequence change replaces aspartic acid, which is acidic and polar, with asparagine, which is neutral and polar, at codon 485 of the GPC3 protein (p.Asp485Asn). This variant is not present in population databases (gnomAD no frequency). This variant has not been reported in the literature in individuals affected with GPC3-related conditions. ClinVar contains an entry for this variant (Variation ID: 1389338). Advanced modeling of protein sequence and biophysical properties (such as structural, functional, and spatial information, amino acid conservation, physicochemical variation, residue mobility, and thermodynamic stability) performed at Invitae indicates that this missense variant is not expected to disrupt GPC3 protein function with a negative predictive value of 80%. In summary, the available evidence is currently insufficient to determine the role of this variant in disease. Therefore, it has been classified as a Variant of Uncertain Significance.

NM_004484.4(GPC3):c.1453G>A (p.Asp485Asn)

Gene: GPC3 (glypican 3; minus strand). Cytogenetic location: Xq26.2.
Variant type: single nucleotide variant.
Coding change: c.1453G>A on transcript NM_004484.4 (MANE Select); coding-DNA position 1453, G replaced by A.
Protein change: p.Asp485Asn; replaces aspartic acid 485 with asparagine.
Molecular consequence: missense variant.
Genome position (GRCh38, 1-based): chrX:133,596,560, C>T on the plus strand (G>A on the coding strand, the complement: GPC3 is on the minus strand). VCF-style: chrX-133596560-C-T. GRCh37 (hg19) VCF-style: chrX-132730588-C-T.
Other names: c.1522G>A, p.Asp508Asn (NM_001164617.2); c.1405G>A, p.Asp469Asn (NM_001164618.2); c.1291G>A, p.Asp431Asn (NM_001164619.2); short protein forms D431N, D469N, D508N, D485N.
Identifiers: ClinVar variation 1389338 (VCV001389338.8), dbSNP rs750171653, ClinGen allele CA10520662.
Genomic context (GRCh38, chrX:133,596,560, plus strand): 5'-ACTCATCTTCATCATCACCGCAGTCTCCACTTTCAAACCCTTCCTCATCCAGGTTTTTAT[C>T]CAGAACTCTACCTTTGGGCATAGACATGGTTCTCAGGAGCTGAAAGAAAACAACCAGGAA-3'
Protein context (NP_004475.1, residues 475-495): TMSMPKGRVL[Asp485Asn]KNLDEEGFES